The following is an entry in ClinVar:

NM_003098.3(SNTA1):c.389T>G (p.Phe130Cys)

Gene: SNTA1 (syntrophin alpha 1; minus strand). Cytogenetic location: 20q11.21.
Variant type: single nucleotide variant.
Coding change: c.389T>G on transcript NM_003098.3 (MANE Select); coding-DNA position 389, T replaced by G.
Protein change: p.Phe130Cys; replaces phenylalanine 130 with cysteine.
Molecular consequence: missense variant.
Genome position (GRCh38, 1-based): chr20:33,438,948, A>C on the plus strand (T>G on the coding strand, the complement: SNTA1 is on the minus strand). VCF-style: chr20-33438948-A-C. GRCh37 (hg19) VCF-style: chr20-32026754-A-C.
Other names: c.389T>G, p.Phe130Cys (NM_001424413.1, NM_001424414.1); short protein forms F130C.
Identifiers: ClinVar variation 3321216 (VCV003321216.1).

ClinVar aggregate classification (germline): Uncertain significance (1 of 4 stars; one submission).

Conditions:
Cardiovascular phenotype. Identifiers: MedGen CN230736.

gnomAD v4.1: 2 of 1,613,996 alleles (0.00012%); highest among the groups gnomAD compares: African/African-American, 0.0027%; no homozygotes.

Submission:

Ambry Genetics
Classification: Uncertain significance for Cardiovascular phenotype. Last evaluated: 2024-06-09. Review status: criteria provided, single submitter. Criteria: Ambry Variant Classification Scheme 2023. Collection method: clinical testing. Allele origin: germline.
Comment: The p.F130C variant (also known as c.389T>G), located in coding exon 2 of the SNTA1 gene, results from a T to G substitution at nucleotide position 389. The phenylalanine at codon 130 is replaced by cysteine, an amino acid with highly dissimilar properties. This amino acid position is conserved. In addition, this alteration is predicted to be tolerated by in silico analysis. Based on the available evidence, the clinical significance of this variant remains unclear.